The following is an entry in ClinVar:

NM_001291303.3(FAT4):c.9914A>T (p.Tyr3305Phe)

Gene: FAT4 (FAT atypical cadherin 4; plus strand). Cytogenetic location: 4q28.1.
Variant type: single nucleotide variant.
Coding change: c.9914A>T on transcript NM_001291303.3 (MANE Select); coding-DNA position 9914, A replaced by T.
Protein change: p.Tyr3305Phe; replaces tyrosine 3305 with phenylalanine.
Molecular consequence: missense variant.
Genome position (GRCh38, 1-based): chr4:125,450,924, A>T. VCF-style: chr4-125450924-A-T. GRCh37 (hg19) VCF-style: chr4-126372079-A-T.
Other names: c.9914A>T, p.Tyr3305Phe (NM_001291285.3); c.9908A>T, p.Tyr3303Phe (NM_024582.6); short protein forms Y3303F, Y3305F.
Identifiers: ClinVar variation 2104107 (VCV002104107.1), dbSNP rs2530906857, ClinGen allele CA358156541.

ClinVar aggregate classification (germline): Uncertain significance (1 of 4 stars; one submission).

Allele frequency attached by ClinVar (database versions not stated): gnomAD exomes below 0.00001.
gnomAD v4.1: 1 of 1,614,088 alleles (0.000062%); highest among the groups gnomAD compares: Non-Finnish European, 0.000085%; no homozygotes.

Submission:

Labcorp Genetics (formerly Invitae), Labcorp
Classification: Uncertain significance. Last evaluated: 2022-07-29. Review status: criteria provided, single submitter. Criteria: Invitae Variant Classification Sherloc (09022015). Collection method: clinical testing. Allele origin: germline.
Comment: This sequence change replaces tyrosine, which is neutral and polar, with phenylalanine, which is neutral and non-polar, at codon 3303 of the FAT4 protein (p.Tyr3303Phe). This variant is not present in population databases (gnomAD no frequency). This variant has not been reported in the literature in individuals affected with FAT4-related conditions. Advanced modeling of protein sequence and biophysical properties (such as structural, functional, and spatial information, amino acid conservation, physicochemical variation, residue mobility, and thermodynamic stability) performed at Invitae indicates that this missense variant is not expected to disrupt FAT4 protein function. In summary, the available evidence is currently insufficient to determine the role of this variant in disease. Therefore, it has been classified as a Variant of Uncertain Significance.